The following is an entry in ClinVar:

NM_000238.4(KCNH2):c.2906G>A (p.Gly969Asp)

Gene: KCNH2 (potassium voltage-gated channel subfamily H member 2; minus strand). Cytogenetic location: 7q36.1.
Variant type: single nucleotide variant.
Coding change: c.2906G>A on transcript NM_000238.4 (MANE Select); coding-DNA position 2906, G replaced by A.
Protein change: p.Gly969Asp; replaces glycine 969 with aspartic acid.
Molecular consequence: missense variant.
Genome position (GRCh38, 1-based): chr7:150,947,665, C>T on the plus strand (G>A on the coding strand, the complement: KCNH2 is on the minus strand). VCF-style: chr7-150947665-C-T. GRCh37 (hg19) VCF-style: chr7-150644753-C-T.
Other names: c.1886G>A, p.Gly629Asp (NM_172057.3); short protein forms G629D, G969D.
Identifiers: ClinVar variation 918705 (VCV000918705.7), dbSNP rs749873669, ClinGen allele CA035445.

ClinVar aggregate classification (germline): Uncertain significance (1 of 4 stars; one submission).

Conditions:
Cardiac arrhythmia. Also called: Cardiac rhythm disease; Arrhythmia. Identifiers: MedGen C0003811, MONDO:0007263, HP:0011675.

Allele frequency attached by ClinVar (database versions not stated): ExAC 0.00001; gnomAD 0.00001; gnomAD exomes below 0.00001.
gnomAD v4.1: 3 of 1,608,612 alleles (0.00019%); highest among the groups gnomAD compares: African/African-American, 0.0027%; no homozygotes.

Submission:

Color Diagnostics, LLC DBA Color Health
Classification: Uncertain significance for Cardiac arrhythmia. Last evaluated: 2023-12-05. Review status: criteria provided, single submitter. Criteria: ACMG Guidelines, 2015. Collection method: clinical testing. Allele origin: germline.
Comment: This missense variant replaces glycine with aspartic acid at codon 969 of the KCNH2 protein. Computational prediction tools and conservation analyses suggest that this variant may not impact the protein function. Computational splicing tools suggest that this variant may not impact RNA splicing. To our knowledge, functional assays have not been performed for this variant nor has this variant been reported in individuals affected with cardiovascular disorders in the literature. This variant has been identified in 1/233770 chromosomes in the general population by the Genome Aggregation Database (gnomAD). Available evidence is insufficient to determine the role of this variant in disease conclusively. Therefore, this variant is classified as a Variant of Uncertain Significance.